The following is an entry in ClinVar:

ClinVar aggregate classification (germline): Conflicting classifications of pathogenicity. Review status: criteria provided, conflicting classifications (1 of 4 stars). 2 submissions from 2 submitters: Likely pathogenic (1); Uncertain significance (1). Last evaluated 2020-04-12.

Conditions:
Hyperinsulinemic hypoglycemia. Also called: Hyperinsulinemia hypoglycemia; Hyperinsulinemic hypoglycemia (disease). Identifiers: Orphanet 443095, MedGen C1864903, MONDO:0005803, HP:0000825.
Deficiency of 3-hydroxyacyl-CoA dehydrogenase. Also called: HADH DEFICIENCY; 3-hydroxyacyl-CoA dehydrogenase deficiency. Identifiers: Orphanet 309127, Orphanet 71212, MedGen C1291230, MONDO:0017715, OMIM 231530.

Allele frequency attached by ClinVar (database versions not stated): gnomAD exomes below 0.00001; gnomAD 0.00001.
gnomAD v4.1: 2 of 1,613,976 alleles (0.00012%); highest among the groups gnomAD compares: Non-Finnish European, 0.00017%; no homozygotes.

Submissions (2):

Labcorp Genetics (formerly Invitae), Labcorp
Classification: Uncertain significance for Deficiency of 3-hydroxyacyl-CoA dehydrogenase. Last evaluated: 2020-04-12. Review status: criteria provided, single submitter. Criteria: Invitae Variant Classification Sherloc (09022015). Collection method: clinical testing. Allele origin: germline.
Comment: In summary, the available evidence is currently insufficient to determine the role of this variant in disease. Therefore, it has been classified as a Variant of Uncertain Significance. Algorithms developed to predict the effect of missense changes on protein structure and function output the following: SIFT: "Tolerated"; PolyPhen-2: "Benign"; Align-GVGD: "Class C0". The glutamine amino acid residue is found in multiple mammalian species, suggesting that this missense change does not adversely affect protein function. These predictions have not been confirmed by published functional studies and their clinical significance is uncertain. This variant has not been reported in the literature in individuals with HADH-related conditions. This variant is not present in population databases (ExAC no frequency). This sequence change replaces glutamic acid with glutamine at codon 94 of the HADH protein (p.Glu94Gln). The glutamic acid residue is highly conserved and there is a small physicochemical difference between glutamic acid and glutamine.

Clinical Genomics, Uppaluri K&H Personalized Medicine Clinic
Classification: Likely pathogenic for Hyperinsulinemic hypoglycemia. Review status: criteria provided, single submitter. Criteria: K & H Uppaluri Personalized Medicine Clinic Variant Classification & Assertion Criteria_Updated V.1. Collection method: research. Allele origin: unknown. Inheritance: Autosomal recessive inheritance.
Comment: Potent mutations in HADH gene are associated with congenital hyperinsulinism, which leads to recurrent hypoglycemia. The condition is exacerbated by stress, fasting or excessive dietary protein. May respond well to diazoxide. However, the role of this particular variant rs1274785101 in congenital hyperinsulinism is yet to be ascertained.

Literature cited by the submitters: PubMed 34547194 (cited by Clinical Genomics, Uppaluri K&H Personalized Medicine Clinic); PubMed 34055426 (cited by Clinical Genomics, Uppaluri K&H Personalized Medicine Clinic); PubMed 29280746 (cited by Clinical Genomics, Uppaluri K&H Personalized Medicine Clinic).

NM_005327.7(HADH):c.280G>C (p.Glu94Gln)

Gene: HADH (hydroxyacyl-CoA dehydrogenase; plus strand). Cytogenetic location: 4q25.
Variant type: single nucleotide variant.
Coding change: c.280G>C on transcript NM_005327.7 (MANE Select); coding-DNA position 280, G replaced by C.
Protein change: p.Glu94Gln; replaces glutamic acid 94 with glutamine.
Molecular consequence: missense variant.
Genome position (GRCh38, 1-based): chr4:108,014,449, G>C. VCF-style: chr4-108014449-G-C. GRCh37 (hg19) VCF-style: chr4-108935605-G-C.
Other names: c.280G>C, p.Glu94Gln (NM_001184705.4); c.292G>C, p.Glu98Gln (NM_001331027.2); short protein forms E94Q, E98Q.
Identifiers: ClinVar variation 1005599 (VCV001005599.4), dbSNP rs1274785101, ClinGen allele CA357831225.